The following is an entry in ClinVar:

NM_000360.4(TH):c.574C>T (p.Pro192Ser)

Gene: TH (tyrosine hydroxylase; minus strand). Cytogenetic location: 11p15.5.
Variant type: single nucleotide variant.
Coding change: c.574C>T on transcript NM_000360.4 (MANE Select); coding-DNA position 574, C replaced by T.
Protein change: p.Pro192Ser; replaces proline 192 with serine.
Molecular consequence: missense variant.
Genome position (GRCh38, 1-based): chr11:2,168,093, G>A on the plus strand (C>T on the coding strand, the complement: TH is on the minus strand). VCF-style: chr11-2168093-G-A. GRCh37 (hg19) VCF-style: chr11-2189323-G-A.
Other names: c.667C>T, p.Pro223Ser (NM_199292.3); c.655C>T, p.Pro219Ser (NM_199293.3); short protein forms P223S, P219S, P192S.
Identifiers: ClinVar variation 1390579 (VCV001390579.8), dbSNP rs753359396, ClinGen allele CA5818616.

ClinVar aggregate classification (germline): Uncertain significance (1 of 4 stars; one submission).

Conditions:
TH-deficient dopa-responsive dystonia. Also called: Tyrosine Hydroxylase-Deficient Dopa-Responsive Dystonia; Segawa syndrome, autosomal recessive; DYT-TH. Identifiers: Orphanet 101150, MedGen C2673535, MONDO:0011551, OMIM 605407.

Allele frequency attached by ClinVar (database versions not stated): gnomAD exomes below 0.00001 and 0.00001; ExAC 0.00001.
gnomAD v4.1: 2 of 1,613,198 alleles (0.00012%); highest among the groups gnomAD compares: South Asian, 0.0011%; no homozygotes.

Submission:

Labcorp Genetics (formerly Invitae), Labcorp
Classification: Uncertain significance for TH-deficient dopa-responsive dystonia. Last evaluated: 2021-03-08. Review status: criteria provided, single submitter. Criteria: Invitae Variant Classification Sherloc (09022015). Collection method: clinical testing. Allele origin: germline.
Comment: Algorithms developed to predict the effect of missense changes on protein structure and function (SIFT, PolyPhen-2, Align-GVGD) all suggest that this variant is likely to be disruptive, but these predictions have not been confirmed by published functional studies and their clinical significance is uncertain. In summary, the available evidence is currently insufficient to determine the role of this variant in disease. Therefore, it has been classified as a Variant of Uncertain Significance. This variant has not been reported in the literature in individuals with TH-related conditions. This sequence change replaces proline with serine at codon 223 of the TH protein (p.Pro223Ser). The proline residue is highly conserved and there is a moderate physicochemical difference between proline and serine. This variant is present in population databases (rs753359396, ExAC 0.006%).